The following is an entry in ClinVar:

ClinVar aggregate classification (germline): Uncertain significance (1 of 4 stars; one submission).

Allele frequency attached by ClinVar (database versions not stated): gnomAD exomes below 0.00001 and 0.00002; gnomAD 0.00001; TOPMed 0.00005.
gnomAD v4.1: 4 of 1,575,914 alleles (0.00025%); highest among the groups gnomAD compares: African/African-American, 0.0014%; no homozygotes.

Submission:

Labcorp Genetics (formerly Invitae), Labcorp
Classification: Uncertain significance. Last evaluated: 2022-02-10. Review status: criteria provided, single submitter. Criteria: Invitae Variant Classification Sherloc (09022015). Collection method: clinical testing. Allele origin: germline.
Comment: This sequence change replaces serine, which is neutral and polar, with glycine, which is neutral and non-polar, at codon 220 of the ASAH1 protein (p.Ser220Gly). The frequency data for this variant in the population databases is considered unreliable, as metrics indicate poor data quality at this position in the gnomAD database. This variant has not been reported in the literature in individuals affected with ASAH1-related conditions. Algorithms developed to predict the effect of missense changes on protein structure and function are either unavailable or do not agree on the potential impact of this missense change (SIFT: "Deleterious"; PolyPhen-2: "Probably Damaging"; Align-GVGD: "Class C0"). In summary, the available evidence is currently insufficient to determine the role of this variant in disease. Therefore, it has been classified as a Variant of Uncertain Significance.

NM_177924.5(ASAH1):c.658A>G (p.Ser220Gly)

Gene: ASAH1 (N-acylsphingosine amidohydrolase 1; minus strand). Cytogenetic location: 8p22.
Variant type: single nucleotide variant.
Coding change: c.658A>G on transcript NM_177924.5 (MANE Select); coding-DNA position 658, A replaced by G.
Protein change: p.Ser220Gly; replaces serine 220 with glycine.
Molecular consequence: missense variant.
Genome position (GRCh38, 1-based): chr8:18,061,731, T>C on the plus strand (A>G on the coding strand, the complement: ASAH1 is on the minus strand). VCF-style: chr8-18061731-T-C. GRCh37 (hg19) VCF-style: chr8-17919240-T-C.
Other names: c.640A>G, p.Ser214Gly (NM_001127505.3); c.463A>G, p.Ser155Gly (NM_001363743.2); c.706A>G, p.Ser236Gly (NM_004315.6); short protein forms S155G, S214G, S236G, S220G.
Identifiers: ClinVar variation 1418531 (VCV001418531.5), dbSNP rs867271364, ClinGen allele CA173141743.
Genomic context (GRCh38, chr8:18,061,731, plus strand): 5'-GAATGCTCTACTTACCCAGATAACCACCATTTATACTGAAACGTTCATTCAGTGTAAGAC[T>C]GAACAGTCCCTGAGAAAAAGACAAAGCAACGAAGTCAGAAACATCAACCATGCGCTTTAA-3'
Protein context (NP_808592.2, residues 210-230): MLTGFKPGLF[Ser220Gly]LTLNERFSIN